The following is an entry in ClinVar:

ClinVar aggregate classification (germline): Benign. Review status: reviewed by expert panel (3 of 4 stars). 8 submissions from 8 submitters: Benign (1). 7 of the submissions do not count toward it. Last evaluated 2017-05-09.

Conditions:
MAP2K1-related disorder. Also called: MAP2K1-related condition; MAP2K1-related disorders.
Cardiovascular phenotype. Identifiers: MedGen CN230736.
RASopathy. Also called: Noonan spectrum disorder; rasopathies. Identifiers: Orphanet 536391, MedGen C5555857, MONDO:0021060.

Allele frequency attached by ClinVar (database versions not stated): gnomAD 0.00029 and 0.00026; ESP Exome Variant Server 0.00038; gnomAD exomes 0.00002 and 0.00005; ExAC 0.00008; TOPMed 0.00024.
gnomAD v4.1: 69 of 1,613,880 alleles (0.0043%); highest among the groups gnomAD compares: African/African-American, 0.083%; no homozygotes.

Submissions (8):

ClinGen RASopathy Variant Curation Expert Panel
Classification: Benign for Noonan syndrome and Noonan-related syndrome. Last evaluated: 2017-05-09. Review status: reviewed by expert panel. Criteria: ClinGen RASopathy ACMG Specifications v1. Collection method: curation. Allele origin: germline. Inheritance: Autosomal dominant inheritance.
Comment: The filtering allele frequency of the c.848C>T (p.Ala283Val) variant in the MAP2K1 gene is 0.052% for African chromosomes by the Exome Aggregation Consortium (10/10366 with 95% CI), which is a high enough frequency to be classified as benign based on thresholds defined by the ClinGen RASopathy Expert panel for autosomal dominant RASopathy variants (BA1). This variant has been identified in a patient with an alternate molecular basis for disease (BP5; Partners LMM, GeneDx internal data; GTR ID: 21766, 26957; ClinVar SCV000207935.12; SCV000061262.5). In summary, this variant meets criteria to be classified as benign. RASopathy-specific ACMG/AMP criteria applied (PMID:29493581): BA1, BP5.

Labcorp Genetics (formerly Invitae), Labcorp
Classification: Likely benign for RASopathy. Last evaluated: 2025-12-09. Review status: criteria provided, single submitter. Criteria: Invitae Variant Classification Sherloc (09022015). Collection method: clinical testing. Allele origin: germline. Not counted in ClinVar's aggregate classification.

Ambry Genetics
Classification: Likely benign for Cardiovascular phenotype. Last evaluated: 2021-07-19. Review status: criteria provided, single submitter. Criteria: Ambry Variant Classification Scheme 2023. Collection method: clinical testing. Allele origin: germline. Not counted in ClinVar's aggregate classification.

ARUP Laboratories, Molecular Genetics and Genomics, ARUP Laboratories
Classification: Likely benign. Last evaluated: 2021-04-09. Review status: criteria provided, single submitter. Criteria: ARUP Molecular Germline Variant Investigation Process 2021. Collection method: clinical testing. Allele origin: germline. Not counted in ClinVar's aggregate classification.

Women's Health and Genetics/Laboratory Corporation of America, LabCorp
Classification: Likely benign. Last evaluated: 2020-03-23. Review status: criteria provided, single submitter. Criteria: LabCorp Variant Classification Summary - May 2015. Collection method: clinical testing. Allele origin: germline. Not counted in ClinVar's aggregate classification.
Comment: Variant summary: MAP2K1 c.848C>T (p.Ala283Val) results in a non-conservative amino acid change located in the Protein kinase domain of the encoded protein sequence. Three of five in-silico tools predict a benign effect of the variant on protein function. The variant allele was found at a frequency of 5.2e-05 in 251410 control chromosomes, predominantly at a frequency of 0.0008 within the African or African-American subpopulation in the gnomAD database. The observed variant frequency within African or African-American control individuals in the gnomAD database is significantly above the estimated maximal expected allele frequency for a pathogenic variant in MAP2K1 causing Noonan Syndrome and Related Conditions phenotype (2.5e-06), strongly suggesting that the variant is a benign polymorphism found primarily in populations of African or African-American origin. To our knowledge, no occurrence of c.848C>T in individuals affected with Noonan Syndrome and Related Conditions and no experimental evidence demonstrating its impact on protein function have been reported. Two clinical diagnostic laboratories have submitted clinical-significance assessments for this variant to ClinVar after 2014 without evidence for independent evaluation. All laboratories classified the variant as benign/likely benign. Based on the evidence outlined above, the variant was classified as likely benign.

GeneDx
Classification: Benign. Last evaluated: 2020-03-18. Review status: criteria provided, single submitter. Criteria: GeneDx Variant Classification Process June 2021. Collection method: clinical testing. Allele origin: germline. Affected: yes. Not counted in ClinVar's aggregate classification.

Laboratory for Molecular Medicine, Mass General Brigham Personalized Medicine
Classification: Likely benign. Last evaluated: 2014-01-28. Review status: criteria provided, single submitter. Criteria: LMM Criteria. Collection method: clinical testing. Allele origin: germline. Observed: 3 variant alleles. Not counted in ClinVar's aggregate classification.
Comment: Ala283Val in exon 7 of MAP2K1: This variant is not expected to have clinical sig nificance due to a lack of conservation across species, including mammals. Of no te, Egyptian jerboa and dog have a valine (Val) at this position despite high ne arby amino acid conservation. In addition, computational analyses (PolyPhen2, SI FT, AlignGVGD) do not suggest a high likelihood of impact to the protein. This v ariant has been identified in 0.1% (5/4402) of African American chromosomes by t he NHLBI Exome Sequencing Project (dbSNP rs14 4080051).

PreventionGenetics, part of Exact Sciences
Classification: Benign for MAP2K1-related condition. Last evaluated: 2021-03-31. Review status: no assertion criteria provided. Collection method: clinical testing. Allele origin: germline. Not counted in ClinVar's aggregate classification.
Comment: This variant is classified as benign based on ACMG/AMP sequence variant interpretation guidelines (Richards et al. 2015 PMID: 25741868, with internal and published modifications).

NM_002755.4(MAP2K1):c.848C>T (p.Ala283Val)

Gene: MAP2K1 (mitogen-activated protein kinase kinase 1; plus strand). Cytogenetic location: 15q22.31.
Variant type: single nucleotide variant.
Coding change: c.848C>T on transcript NM_002755.4 (MANE Select); coding-DNA position 848, C replaced by T.
Protein change: p.Ala283Val; replaces alanine 283 with valine.
Molecular consequence: missense variant.
Genome position (GRCh38, 1-based): chr15:66,485,144, C>T. VCF-style: chr15-66485144-C-T. GRCh37 (hg19) VCF-style: chr15-66777482-C-T.
Other names: p.A283V:GCG>GTG; NM_002755.3(MAP2K1):c.848C>T; short protein forms A283V.
Identifiers: ClinVar variation 40756 (VCV000040756.27), dbSNP rs144080051, ClinGen allele CA134622.